The following is an entry in ClinVar:

NM_020297.4(ABCC9):c.437T>A (p.Ile146Asn)

Gene: ABCC9 (ATP binding cassette subfamily C member 9; minus strand). Cytogenetic location: 12p12.1.
Variant type: single nucleotide variant.
Coding change: c.437T>A on transcript NM_020297.4 (MANE Select); coding-DNA position 437, T replaced by A.
Protein change: p.Ile146Asn; replaces isoleucine 146 with asparagine.
Molecular consequence: missense variant. On other transcripts: intron variant (1).
Genome position (GRCh38, 1-based): chr12:21,917,073, A>T on the plus strand (T>A on the coding strand, the complement: ABCC9 is on the minus strand). VCF-style: chr12-21917073-A-T. GRCh37 (hg19) VCF-style: chr12-22070007-A-T.
Other names: c.437T>A, p.Ile146Asn (NM_001377273.1, NM_005691.4); c.-48-4007T>A (NM_001377274.1); short protein forms I146N.
Identifiers: ClinVar variation 847459 (VCV000847459.13), dbSNP rs149325742, ClinGen allele CA6481859.
Genomic context (GRCh38, chr12:21,917,073, plus strand): 5'-CGCAGGTTTGATATGTCCAAGCCAGACTGACAGTACTTAACCAATTTTATTGTTTTTGTA[A>T]TAAAGGCCATTACCCAATACAGGAACAGGGCTGAAAAGAAAAAGACAAAAAGAGAAAGAT-3'
Protein context (NP_064693.2, residues 136-156): ALFLYWVMAF[Ile146Asn]TKTIKLVKYC

ClinVar aggregate classification (germline): Conflicting classifications of pathogenicity. Review status: criteria provided, conflicting classifications (1 of 4 stars). 4 submissions from 4 submitters: Uncertain significance (3); Likely benign (1). Last evaluated 2025-05-22.

Conditions:
Dilated cardiomyopathy 1O (CMD1O). Also called: CARDIOMYOPATHY, DILATED, WITH VENTRICULAR TACHYCARDIA. Identifiers: Orphanet 154, MedGen C1837839, MONDO:0012062, OMIM 608569.
Cardiovascular phenotype. Identifiers: MedGen CN230736.

Allele frequency attached by ClinVar (database versions not stated): ExAC 0.00002; gnomAD exomes 0.00002 and 0.00001; ESP Exome Variant Server 0.00008; gnomAD 0.00001; TOPMed 0.00001.
gnomAD v4.1: 12 of 1,613,756 alleles (0.00074%); highest among the groups gnomAD compares: Non-Finnish European, 0.001%; no homozygotes.

Submissions (4):

Labcorp Genetics (formerly Invitae), Labcorp
Classification: Uncertain significance for Dilated cardiomyopathy 1O. Last evaluated: 2025-05-22. Review status: criteria provided, single submitter. Criteria: Invitae Variant Classification Sherloc (09022015). Collection method: clinical testing. Allele origin: germline.
Comment: This sequence change replaces isoleucine, which is neutral and non-polar, with asparagine, which is neutral and polar, at codon 146 of the ABCC9 protein (p.Ile146Asn). This variant is present in population databases (rs149325742, gnomAD 0.004%). This missense change has been observed in individual(s) with Brugada syndrome (PMID: 25341504). ClinVar contains an entry for this variant (Variation ID: 847459). Invitae Evidence Modeling of protein sequence and biophysical properties (such as structural, functional, and spatial information, amino acid conservation, physicochemical variation, residue mobility, and thermodynamic stability) has been performed for this missense variant. However, the output from this modeling did not meet the statistical confidence thresholds required to predict the impact of this variant on ABCC9 protein function. In summary, the available evidence is currently insufficient to determine the role of this variant in disease. Therefore, it has been classified as a Variant of Uncertain Significance.

Blueprint Genetics
Classification: Likely benign. Last evaluated: 2023-12-11. Review status: criteria provided, single submitter. Criteria: ACMG Guidelines, 2015. Collection method: clinical testing. Allele origin: germline.

AiLife Diagnostics
Classification: Uncertain significance. Last evaluated: 2021-10-11. Review status: criteria provided, single submitter. Criteria: ACMG Guidelines, 2015. Collection method: clinical testing. Allele origin: germline. Affected: yes. Observed: 1 variant allele.

Ambry Genetics
Classification: Uncertain significance for Cardiovascular phenotype. Last evaluated: 2019-01-02. Review status: criteria provided, single submitter. Criteria: Ambry Variant Classification Scheme 2023. Collection method: clinical testing. Allele origin: germline.
Comment: The p.I146N variant (also known as c.437T>A), located in coding exon 4 of the ABCC9 gene, results from a T to A substitution at nucleotide position 437. The isoleucine at codon 146 is replaced by asparagine, an amino acid with dissimilar properties. This alteration was reported in a family with Brugada syndrome, though alterations in other cardiac-related genes were reported in affected family members (B&eacute;ziau DM et al. Basic Res. Cardiol., 2014 Oct;109:446). This amino acid position is well conserved in available vertebrate species. In addition, the in silico prediction for this alteration is inconclusive. Since supporting evidence is limited at this time, the clinical significance of this alteration remains unclear.

Literature cited by the submitters: PubMed 25341504 (cited by Labcorp Genetics (formerly Invitae), Labcorp and Ambry Genetics).